The following is an entry in ClinVar:

ClinVar aggregate classification (germline): Uncertain significance (1 of 4 stars; one submission).

Submission:

Women's Health and Genetics/Laboratory Corporation of America, LabCorp
Classification: Uncertain significance. Last evaluated: 2025-03-21. Review status: criteria provided, single submitter. Criteria: LabCorp Variant Classification Summary - May 2015. Collection method: clinical testing. Allele origin: germline.
Comment: Variant summary: ANKRD11 c.4208G>T (p.Gly1403Val) results in a non-conservative amino acid change in the encoded protein sequence. Four of five in-silico tools predict a benign effect of the variant on protein function. The variant was absent in 251430 control chromosomes. The available data on variant occurrences in the general population are insufficient to allow any conclusion about variant significance. To our knowledge, no occurrence of c.4208G>T in individuals affected with KBG Syndrome and no experimental evidence demonstrating its impact on protein function have been reported. No submitters have cited clinical-significance assessments for this variant to ClinVar. Based on the evidence outlined above, the variant was classified as uncertain significance.

NM_013275.6(ANKRD11):c.4208G>T (p.Gly1403Val)

Gene: ANKRD11 (ankyrin repeat domain containing 11; minus strand). Cytogenetic location: 16q24.3.
Variant type: single nucleotide variant.
Coding change: c.4208G>T on transcript NM_013275.6 (MANE Select); coding-DNA position 4208, G replaced by T.
Protein change: p.Gly1403Val; replaces glycine 1403 with valine.
Molecular consequence: missense variant.
Genome position (GRCh38, 1-based): chr16:89,282,334, C>A on the plus strand (G>T on the coding strand, the complement: ANKRD11 is on the minus strand). VCF-style: chr16-89282334-C-A. GRCh37 (hg19) VCF-style: chr16-89348742-C-A.
Other names: c.4208G>T, p.Gly1403Val (NM_001256182.2, NM_001256183.2); short protein forms G1403V.
Identifiers: ClinVar variation 3896054 (VCV003896054.1).